The following is an entry in ClinVar:

ClinVar aggregate classification (germline): Uncertain significance (1 of 4 stars; one submission).

Allele frequency attached by ClinVar (database versions not stated): TOPMed below 0.00001; gnomAD exomes 0.00002; ExAC 0.00003.
gnomAD v4.1: 21 of 1,601,604 alleles (0.0013%); highest among the groups gnomAD compares: South Asian, 0.022%; no homozygotes.

Submission:

Labcorp Genetics (formerly Invitae), Labcorp
Classification: Uncertain significance. Last evaluated: 2022-07-06. Review status: criteria provided, single submitter. Criteria: Invitae Variant Classification Sherloc (09022015). Collection method: clinical testing. Allele origin: germline.
Comment: In summary, the available evidence is currently insufficient to determine the role of this variant in disease. Therefore, it has been classified as a Variant of Uncertain Significance. Algorithms developed to predict the effect of missense changes on protein structure and function (SIFT, PolyPhen-2, Align-GVGD) all suggest that this variant is likely to be tolerated. This variant has not been reported in the literature in individuals affected with LAMA5-related conditions. This variant is present in population databases (rs767325010, gnomAD 0.03%). This sequence change replaces proline, which is neutral and non-polar, with serine, which is neutral and polar, at codon 1669 of the LAMA5 protein (p.Pro1669Ser).

NM_005560.6(LAMA5):c.5005C>T (p.Pro1669Ser)

Gene: LAMA5 (laminin subunit alpha 5; minus strand). Cytogenetic location: 20q13.33.
Variant type: single nucleotide variant.
Coding change: c.5005C>T on transcript NM_005560.6 (MANE Select); coding-DNA position 5005, C replaced by T.
Protein change: p.Pro1669Ser; replaces proline 1669 with serine.
Molecular consequence: missense variant.
Genome position (GRCh38, 1-based): chr20:62,327,340, G>A on the plus strand (C>T on the coding strand, the complement: LAMA5 is on the minus strand). VCF-style: chr20-62327340-G-A. GRCh37 (hg19) VCF-style: chr20-60902396-G-A.
Other names: short protein forms P1669S.
Identifiers: ClinVar variation 2419071 (VCV002419071.6), dbSNP rs767325010, ClinGen allele CA9942379.